The following is an entry in ClinVar:

ClinVar aggregate classification (germline): Likely pathogenic. Review status: reviewed by expert panel (3 of 4 stars). 2 submissions from 2 submitters: Likely pathogenic (1). 1 of the submissions does not count toward it. Last evaluated 2021-05-06.

Conditions:
Mitochondrial disease. Also called: Mitochondrial disorder; Mitochondrial disorders. Identifiers: Orphanet 68380, MedGen C0751651, MeSH D028361, MONDO:0044970.

Submissions (2):

ClinGen Mitochondrial Disease Nuclear and Mitochondrial  Variant Curation Expert Panel, ClinGen
Classification: Likely pathogenic for Mitochondrial disease. Last evaluated: 2021-05-06. Review status: reviewed by expert panel. Criteria: clingen mito disease acmg specifications v1-1. Collection method: curation. Allele origin: germline. Inheritance: Autosomal recessive inheritance.
Comment: The c.3630dup (p.Gly1211ArgfsTer6) variant in POLG was not in any databases (PM2). This variant results in a frameshift causing a loss of function (PVS1). There are no publications of cases with this variant. In summary, this variant meets criteria to be classified as likely pathogenic for mitochondrial disease inherited in an autosomal recessive manner. ntDNA ACMG/AMP criteria for POLG applied: PVS1, PM2

GeneReviews
No classification provided. Condition: Mitochondrial disease. Review status: no classification provided. Collection method: literature only. Allele origin: germline. Not counted in ClinVar's aggregate classification.

Literature cited by the submitters: NCBI Bookshelf NBK26471 (cited by GeneReviews).

NM_002693.3(POLG):c.3630dup (p.Gly1211fs)

Gene: POLG (DNA polymerase gamma, catalytic subunit; minus strand). Cytogenetic location: 15q26.1.
Variant type: Duplication.
Coding change: c.3630dup on transcript NM_002693.3 (MANE Select); coding-DNA position 3630, one base duplicated (C; older notation c.3630dupC).
Protein change: p.Gly1211fs; shifts the reading frame from glycine 1211.
Molecular consequence: frameshift variant.
Genome position (GRCh38, 1-based): chr15:89,317,389, G duplicated on the plus strand (C on the coding strand, the reverse complement: POLG is on the minus strand). VCF-style (leftmost placement, unchanged base first): chr15-89317388-C-CG. GRCh37 (hg19) VCF-style: chr15-89860619-C-CG.
Other names: NM_002693.2(POLG):c.3630dup; p.Gly1211fs; c.3630dupC (NM_002693.2); c.3630dup, p.Gly1211fs (NM_001126131.2); short protein forms G1211fs.
Identifiers: ClinVar variation 21315 (VCV000021315.5), dbSNP rs113994101, ClinGen allele CA341888.
Genomic context (GRCh38, chr15:89,317,388, plus strand): 5'-TCCACCTCAGATCCTATGTGTAATGAGGAACAAATGTGTTGTGCTCACCCTGGGGAATCC[C>CG]GTATCTCCTTTCCATCCCAGTTGGGTTGGAAGGGGTTTTACAATCCATGGTCACTTCCTT-3'